The following is an entry in ClinVar:

NM_000038.6(APC):c.531+1G>T

Gene: APC (APC regulator of Wnt signaling pathway; plus strand). Cytogenetic location: 5q22.2.
Variant type: single nucleotide variant.
Coding change: c.531+1G>T on transcript NM_000038.6 (MANE Select); the canonical splice donor site of the intron after coding-DNA position 531, G replaced by T.
Molecular consequence: splice donor variant.
Genome position (GRCh38, 1-based): chr5:112,775,738, G>T. VCF-style: chr5-112775738-G-T. GRCh37 (hg19) VCF-style: chr5-112111435-G-T.
Other names: c.531+1G>T (NM_000038.5, NM_001407447.1, NM_001354895.2 and 17 more transcripts); c.-505+1G>T (NM_001407470.1, NM_001407472.1, NM_001354906.2 and 1 more transcripts); c.561+1G>T (NM_001407446.1, NM_001354897.2, NM_001354902.2 and 1 more transcripts); c.354+1G>T (NM_001407453.1, NM_001354900.2, NM_001354901.2 and 1 more transcripts); c.456+1G>T (NM_001407451.1, NM_001354898.2, NM_001354904.2).
Identifiers: ClinVar variation 2583916 (VCV002583916.5), dbSNP rs876659973, ClinGen allele CA360617488.
Genomic context (GRCh38, chr5:112,775,738, plus strand): 5'-TATTACGCTCAACTTCAGAATCTCACTAAAAGAATAGATAGTCTTCCTTTAACTGAAAAT[G>T]TAAGTAACTTGGCAGTACAACTTATTTGAAACTTTAATAACTTGATATTTTAAAGTACCT-3'

ClinVar aggregate classification (germline): Pathogenic/Likely pathogenic. Review status: criteria provided, multiple submitters, no conflicts (2 of 4 stars). 3 submissions from 3 submitters: Pathogenic (2); Likely pathogenic (1). Last evaluated 2024-12-02.

Conditions:
Familial adenomatous polyposis 1 (FAP1). Also called: FAMILIAL ADENOMATOUS POLYPOSIS 1, ATTENUATED; POLYPOSIS, ADENOMATOUS INTESTINAL. Identifiers: MedGen C2713442, MONDO:0021056, OMIM 175100. Disease mechanism: loss of function.

Allele frequency attached by ClinVar (database versions not stated): gnomAD exomes below 0.00001.
gnomAD v4.1: 1 of 1,509,000 alleles (0.000066%); highest among the groups gnomAD compares: Non-Finnish European, 0.000091%; no homozygotes.

Submissions (3):

Quest Diagnostics Nichols Institute San Juan Capistrano
Classification: Pathogenic. Last evaluated: 2024-12-02. Review status: criteria provided, single submitter. Criteria: Quest Diagnostics criteria. Collection method: clinical testing. Allele origin: unknown.
Comment: The APC c.531+1G>T variant (also known as IVS4+1G>T) disrupts a canonical splice-donor site and has been reported in the published literature in an individual with attenuated FAP (PMID: 17411426 (2007)). An RNA study showed this variant causes exon skipping in the APC mRNA (PMID: 22987206 (2013)). Other variants disrupting this canonical splice site at the c.531+1 and c.531+2 positions have also been reported as being deleterious in individuals/families with FAP (PMIDs: 35189564 (2022), 31113927 (2019), 20924072 (2011), 15459959 (2004), 12010888 (2002)). The c.531+1G>T variant has not been reported in large, multi-ethnic general populations (Genome Aggregation Database). Based on the available information, this variant is classified as pathogenic.

Molecular Pathology, Peter Maccallum Cancer Centre
Classification: Pathogenic for Familial adenomatous polyposis 1. Last evaluated: 2024-06-04. Review status: criteria provided, single submitter. Criteria: ACMG Guidelines, 2015. Collection method: clinical testing. Allele origin: germline. Inheritance: Autosomal dominant inheritance.

Myriad Genetics, Inc.
Classification: Likely pathogenic for Familial adenomatous polyposis 1. Last evaluated: 2023-04-26. Review status: criteria provided, single submitter. Criteria: Myriad Autosomal Dominant, Autosomal Recessive and X-Linked Classification Criteria (2023). Collection method: clinical testing. Allele origin: unknown.
Comment: This variant is considered likely pathogenic. This variant occurs within a consensus splice junction and is predicted to result in abnormal mRNA splicing of either an out-of-frame exon or an in-frame exon necessary for protein stability and/or normal function.

Literature cited by the submitters: PubMed 17411426 (cited by Quest Diagnostics Nichols Institute San Juan Capistrano); PubMed 22987206 (cited by Quest Diagnostics Nichols Institute San Juan Capistrano).